The following is an entry in ClinVar:

NM_001394062.1(MACF1):c.3999A>T (p.Lys1333Asn)

Gene: MACF1 (microtubule actin crosslinking factor 1; plus strand). Cytogenetic location: 1p34.3.
Variant type: single nucleotide variant.
Coding change: c.3999A>T on transcript NM_001394062.1 (MANE Select); coding-DNA position 3999, A replaced by T.
Protein change: p.Lys1333Asn; replaces lysine 1333 with asparagine.
Molecular consequence: missense variant.
Genome position (GRCh38, 1-based): chr1:39,319,717, A>T. VCF-style: chr1-39319717-A-T. GRCh37 (hg19) VCF-style: chr1-39785389-A-T.
Other names: c.4014A>T, p.Lys1338Asn (NM_012090.5); short protein forms K1333N, K1338N.
Identifiers: ClinVar variation 5002716 (VCV005002716.1).

ClinVar aggregate classification (germline): Uncertain significance (1 of 4 stars; one submission).

Conditions:
Lissencephaly 9 with complex brainstem malformation. Identifiers: Orphanet 572013, MedGen C5193029, MONDO:0032677, OMIM 618325.

Submission:

OLLIN Analises Genomicas, OLLIN
Classification: Uncertain significance for Lissencephaly 9 with complex brainstem malformation. Last evaluated: 2026-08-06. Review status: criteria provided, single submitter. Criteria: ACMG Guidelines 2015 PMID 25741868. Collection method: clinical testing. Allele origin: germline. Inheritance: Autosomal dominant inheritance.
Comment: This missense variant, located in exon 31 (of 101), is absent from gnomAD and ClinVar and has not been identified in the literature. In silico analysis predicts that this variant has a tolerated effect. According to the currently available evidence, this variant has been classified as uncertain significance (PM2_P, BP4_M).